The following is an entry in ClinVar:

NM_001377.3(DYNC2H1):c.7289T>C (p.Ile2430Thr)

Gene: DYNC2H1 (dynein cytoplasmic 2 heavy chain 1; plus strand). Cytogenetic location: 11q22.3.
Variant type: single nucleotide variant.
Coding change: c.7289T>C on transcript NM_001377.3 (MANE Select); coding-DNA position 7289, T replaced by C.
Protein change: p.Ile2430Thr; replaces isoleucine 2430 with threonine.
Molecular consequence: missense variant.
Genome position (GRCh38, 1-based): chr11:103,188,645, T>C. VCF-style: chr11-103188645-T-C. GRCh37 (hg19) VCF-style: chr11-103059374-T-C.
Other names: c.7289T>C, p.Ile2430Thr (NM_001080463.2); short protein forms I2430T.
Identifiers: ClinVar variation 4847652 (VCV004847652.4).

ClinVar aggregate classification (germline): Conflicting classifications of pathogenicity. Review status: criteria provided, conflicting classifications (1 of 4 stars). 2 submissions from 2 submitters: Likely pathogenic (1); Uncertain significance (1). Last evaluated 2026-03-26.

Conditions:
Asphyxiating thoracic dystrophy 3. Also called: SHORT-RIB THORACIC DYSPLASIA 3 WITH OR WITHOUT POLYDACTYLY; POLYDACTYLY WITH NEONATAL CHONDRODYSTROPHY, TYPE I; SHORT-RIB THORACIC DYSPLASIA 3/6 WITH POLYDACTYLY, DIGENIC; Short rib polydactyly syndrome 2B; Saldino-Noonan Syndrome. Identifiers: Orphanet 474, Orphanet 93269, Orphanet 93270, Orphanet 93271, MedGen C0036069, MONDO:0013127, OMIM 613091.

gnomAD v4.1: 4 of 1,592,708 alleles (0.00025%); highest among the groups gnomAD compares: Non-Finnish European, 0.00034%; no homozygotes.

Submissions (2):

Women's Health and Genetics/Laboratory Corporation of America, LabCorp
Classification: Uncertain significance. Last evaluated: 2026-03-26. Review status: criteria provided, single submitter. Criteria: LabCorp Variant Classification Summary - May 2015. Collection method: clinical testing. Allele origin: germline.
Comment: Variant summary: DYNC2H1 c.7289T>C (p.Ile2430Thr) results in a non-conservative amino acid change in the encoded protein sequence. Algorithms developed to predict the effect of missense changes on protein structure and function are either unavailable or do not agree on the potential impact of this missense change. The variant allele was found at a frequency of 4.2e-06 in 237528 control chromosomes. c.7289T>C has been observed in compound heterozygous individuals affected with Short-rib thoracic dysplasia (Stembalska_2022, Chen_2023). These data indicate that the variant may be associated with disease. To our knowledge, no experimental evidence demonstrating an impact on protein function has been reported. The following publications have been ascertained in the context of this evaluation (PMID: 37091781, 35893076). No submitters have cited clinical-significance assessments for this variant to ClinVar. Based on the evidence outlined above, the variant was classified as VUS-possibly pathogenic.

Juno Genomics, Hangzhou Juno Genomics, Inc
Classification: Likely pathogenic for Asphyxiating thoracic dystrophy 3. Review status: criteria provided, single submitter. Criteria: ACMG Guidelines, 2015. Collection method: clinical testing. Allele origin: germline.
Comment: Absent from controls (or at extremely low frequency if recessive) in Genome Aggregation Database.;For recessive disorders, detected in trans with a pathogenic variant.;Co-segregation with disease in multiple affected family members.;Patient's phenotype or family history is highly specific for a disease with a single genetic etiology.;Located in a mutational hot spot and/or critical and well-established functional domain without benign variation.

Literature cited by the submitters: PubMed 37091781 (cited by Women's Health and Genetics/Laboratory Corporation of America, LabCorp); PubMed 35893076 (cited by Women's Health and Genetics/Laboratory Corporation of America, LabCorp).